The following is an entry in ClinVar:

NM_001365536.1(SCN9A):c.528C>G (p.Phe176Leu)

Gene: SCN9A (sodium voltage-gated channel alpha subunit 9; minus strand). Cytogenetic location: 2q24.3.
Variant type: single nucleotide variant.
Coding change: c.528C>G on transcript NM_001365536.1 (MANE Select); coding-DNA position 528, C replaced by G.
Protein change: p.Phe176Leu; replaces phenylalanine 176 with leucine.
Molecular consequence: missense variant.
Genome position (GRCh38, 1-based): chr2:166,305,860, G>C on the plus strand (C>G on the coding strand, the complement: SCN9A is on the minus strand). VCF-style: chr2-166305860-G-C. GRCh37 (hg19) VCF-style: chr2-167162370-G-C.
Other names: c.528C>G, p.Phe176Leu (NM_002977.4); short protein forms F176L.
Identifiers: ClinVar variation 2134880 (VCV002134880.4), dbSNP rs2468130162, ClinGen allele CA349095151.
Genomic context (GRCh38, chr2:166,305,860, plus strand): 5'-AATGACGACAAAATCCAGCCAGTTCCACGGGTCACGAAGAAAAGTGAATTCTCCTACACA[G>C]AAGCCTCTTGCAAGGATTTTTACAAGTGATTCAAAAGTATATATTCCAGTAAAAGTGTAC-3'
Protein context (NP_001352465.1, residues 166-186): ESLVKILARG[Phe176Leu]CVGEFTFLRD

ClinVar aggregate classification (germline): Uncertain significance (1 of 4 stars; one submission).

Conditions:
Neuropathy, hereditary sensory and autonomic, type 2A (HSAN2A). Also called: ACROOSTEOLYSIS, GIACCAI TYPE; ACROOSTEOLYSIS, NEUROGENIC; MORVAN DISEASE; NEUROPATHY, CONGENITAL SENSORY; NEUROPATHY, HEREDITARY SENSORY RADICULAR, AUTOSOMAL RECESSIVE; NEUROPATHY, HEREDITARY SENSORY, TYPE IIA. Identifiers: Orphanet 970, MedGen C2752089, MONDO:0024309, OMIM 201300.
Generalized epilepsy with febrile seizures plus, type 7 (GEFSP7). Also called: GEFS+, TYPE 7. Identifiers: Orphanet 36387, MedGen C2751778, MONDO:0013470, OMIM 613863.

Submission:

Labcorp Genetics (formerly Invitae), Labcorp
Classification: Uncertain significance for Neuropathy, hereditary sensory and autonomic, type 2A; Generalized epilepsy with febrile seizures plus, type 7. Last evaluated: 2022-05-06. Review status: criteria provided, single submitter. Criteria: Invitae Variant Classification Sherloc (09022015). Collection method: clinical testing. Allele origin: germline.
Comment: In summary, the available evidence is currently insufficient to determine the role of this variant in disease. Therefore, it has been classified as a Variant of Uncertain Significance. Algorithms developed to predict the effect of missense changes on protein structure and function are either unavailable or do not agree on the potential impact of this missense change (SIFT: "Deleterious"; PolyPhen-2: "Probably Damaging"; Align-GVGD: "Class C0"). This variant has not been reported in the literature in individuals affected with SCN9A-related conditions. This variant is not present in population databases (gnomAD no frequency). This sequence change replaces phenylalanine, which is neutral and non-polar, with leucine, which is neutral and non-polar, at codon 176 of the SCN9A protein (p.Phe176Leu).